The following is an entry in ClinVar:

NM_000059.4(BRCA2):c.8954-1_8955delinsAA

Gene: BRCA2 (BRCA2 DNA repair associated; plus strand). Cytogenetic location: 13q13.1.
Variant type: Indel.
Coding change: c.8954-1_8955delinsAA on transcript NM_000059.4 (MANE Select); the canonical splice acceptor site of the intron before coding-DNA position 8954 through coding-DNA position 8955, GTT replaced by AA.
Molecular consequence: splice acceptor variant.
Genome position (GRCh38, 1-based): chr13:32,379,749-32,379,751, GTT replaced by AA. VCF-style: chr13-32379749-GTT-AA. GRCh37 (hg19) VCF-style: chr13-32953886-GTT-AA.
Other names: c.8954-1_8955delGTTinsAA (NM_000059.3).
Identifiers: ClinVar variation 142095 (VCV000142095.26), dbSNP rs276174916, ClinGen allele CA167382.

ClinVar aggregate classification (germline): Pathogenic. Review status: reviewed by expert panel (3 of 4 stars). 11 submissions from 10 submitters: Pathogenic (1). 10 of the submissions do not count toward it. Last evaluated 2019-06-18.

Conditions:
BRCA2-related cancer predisposition. Identifiers: MedGen CN377758, MONDO:0700269.
Hereditary cancer-predisposing syndrome. Also called: Neoplastic Syndromes, Hereditary; Hereditary Cancer Syndrome; Hereditary neoplastic syndrome; Tumor predisposition. Identifiers: Orphanet 140162, MedGen C0027672, MeSH D009386, MONDO:0015356.
Hereditary breast ovarian cancer syndrome. Also called: Hereditary breast and ovarian cancer syndrome; Hereditary breast and/or ovarian cancer syndrome; BRCA1- and BRCA2-Associated Hereditary Breast and Ovarian Cancer; Hereditary breast and ovarian cancer; Breast and ovarian cancer; Hereditary breast and ovarian cancer syndrome (HBOC). Identifiers: Orphanet 145, MedGen C0677776, MeSH D061325, MONDO:0003582. Disease mechanism: loss of function.
Breast-ovarian cancer, familial, susceptibility to, 2 (BROVCA2). Also called: BRCA2 Hereditary Breast and Ovarian Cancer. Identifiers: Orphanet 145, MedGen C2675520, MONDO:0012933, OMIM 612555. Disease mechanism: loss of function.
Familial cancer of breast. Also called: Hereditary breast cancer; hereditary breast carcinoma; BREAST CANCER, FAMILIAL. Identifiers: Orphanet 227535, MedGen C0346153, MONDO:0016419, OMIM 114480. Disease mechanism: loss of function.

Submissions 1 to 7 of 11:

Evidence-based Network for the Interpretation of Germline Mutant Alleles (ENIGMA)
Classification: Pathogenic for Breast-ovarian cancer, familial, susceptibility to, 2. Last evaluated: 2019-06-18. Review status: reviewed by expert panel. Criteria: ENIGMA BRCA1/2 Classification Criteria (2017-06-29). Collection method: curation. Allele origin: germline.
Comment: IARC class based on posterior probability from multifactorial likelihood analysis, thresholds for class as per Plon et al. 2008 (PMID: 18951446). Class 5 based on posterior probability = 0.993615

Labcorp Genetics (formerly Invitae), Labcorp
Classification: Pathogenic for Hereditary breast ovarian cancer syndrome. Last evaluated: 2025-10-07. Review status: criteria provided, single submitter. Criteria: Invitae Variant Classification Sherloc (09022015). Collection method: clinical testing. Allele origin: germline. Not counted in ClinVar's aggregate classification.
Comment: This sequence change affects a splice site in intron 22 of the BRCA2 gene. It is expected to disrupt RNA splicing. Variants that disrupt the donor or acceptor splice site typically lead to a loss of protein function (PMID: 16199547), and loss-of-function variants in BRCA2 are known to be pathogenic (PMID: 20104584). Information on the frequency of this variant in the gnomAD database is not available, as this variant may be reported differently in the database. Disruption of this splice site has been observed in individual(s) with breast cancer, occult primary ovarian insufficiency, and endometrial cancer (PMID: 19996028, 33484353). This variant is also known as IVS22-1del3insAA or c.8954-1_8955delGTTinsAA. Algorithms developed to predict the effect of variants on gene product structure and function are not available or were not evaluated for this variant. Experimental studies have shown that disruption of this splice site affects BRCA2 function (PMID: 23451180). Algorithms developed to predict the effect of sequence changes on RNA splicing suggest that this variant may disrupt the consensus splice site. For these reasons, this variant has been classified as Pathogenic.

Women's Health and Genetics/Laboratory Corporation of America, LabCorp
Classification: Pathogenic for Hereditary breast ovarian cancer syndrome. Last evaluated: 2025-04-29. Review status: criteria provided, single submitter. Criteria: LabCorp Variant Classification Summary - May 2015. Collection method: clinical testing. Allele origin: germline. Not counted in ClinVar's aggregate classification.
Comment: Variant summary: BRCA2 c.8954-1_8955delinsAA is located in a canonical splice-site and is predicted to affect mRNA splicing resulting in a significantly altered protein due to either exon skipping, shortening, or inclusion of intronic material. Several computational tools predict a significant impact on normal splicing: Four predict the variant abolishes a 3' acceptor site. Experimental evidence support these predictions indicating the variant results in various aberrant transcripts, with the main one being a deletion of 51 nucleotides at the 5'-end of exon 23 with consequent 17-amino acids loss, which was demonstrated to abrogate the ability of BRCA2 to bind the DSS1 protein and its affinity for ssDNA (Acedo_2012, Colombo_2013). The variant was absent in 250792 control chromosomes (gnomAD). c.8954-1_8955delinsAA has been reported in the literature in individuals affected with Hereditary Breast and Ovarian Cancer (e.g. Arvai_2019, Marchetti_2018, Oktay_2010, Rebbeck_2018). These data indicate that the variant is likely to be associated with disease. Four ClinVar submitters (evaluation after 2014) cite the variant as pathogenic. Based on the evidence outlined above, the variant was classified as pathogenic.

All of Us Research Program, National Institutes of Health
Classification: Pathogenic for BRCA2-related cancer predisposition. Last evaluated: 2024-09-06. Review status: criteria provided, single submitter. Criteria: ACMG Guidelines, 2015. Collection method: clinical testing. Allele origin: germline. Inheritance: Autosomal dominant inheritance. Observed: 1 variant allele, 1 heterozygote. Not counted in ClinVar's aggregate classification.
Comment: The c.8954-1_8955delinsAA variant in the BRCA2 gene is located at the canonical splice site of intron 22 and is predicted to inflict acceptor loss (SpliceAI delta score: 0.90), resulting in alternative splicing and disrupted protein product. The variant has been reported in individuals with breast/ovarian/prostate cancer (PMID: 33484353, 30128899, 33573335, 27616075). Experimental RNA analysis and minigene assay show that the variant causes aberrant transcripts and have deleterious impact on function (PMID: 23451180, 27060066, 22632462). Loss-of-function variants in the BRCA2 gene are known to cause hereditary breast and ovarian cancer (PMID: 8988179, 11897832, 29446198). This variant has been reported in ClinVar as pathogenic by the expert panel (ID: 142095). The variant is absent in the general population database (gnomAD). Therefore, the c.8954-1_8955delinsAA variant in the BRCA2 gene has been classified as pathogenic.

This study involves interpretation of variants in research participants for the purpose of population health screening. Participant phenotype was not available at the time of variant classification. Additional details can be found in publication PMID: 35346344, PMCID: PMC8962531

Ambry Genetics
Classification: Pathogenic for Hereditary cancer-predisposing syndrome. Last evaluated: 2024-09-06. Review status: criteria provided, single submitter. Criteria: Ambry Variant Classification Scheme 2023. Collection method: clinical testing. Allele origin: germline. Not counted in ClinVar's aggregate classification.
Comment: The c.8954-1_8955delGTTinsAA pathogenic mutation, located in intron 22/exon 23 (also known as intron 21/coding exon 22) of the BRCA2 gene, results from the deletion of 3 nucleotides (GTT) and insertion of 2 nucleotides (AA) between position c.8954-1 and c.8955 leading to the disruption of the native canonical splice acceptor site. This alteration has been identified in numerous individuals from breast and ovarian cancer families (Laitman Y. Hum Mutat. 2019 11;40(11):e1-e23.; Marchetti C. Ann Surg Oncol. 2018 Nov;25(12):3701-3708; Vietri MT. Med Oncol. 2021 Jan;38(2): 13; Lai KN. BMC Cancer. 2017 02;17(1):149; Oktay K et al. J Clin Oncol. 2010;28(2):240-4). This alteration was also classified as pathogenic in a multifactorial model of variant interpretation that incorporates co-segregation, family history, co-occurrence and tumor pathology and case-control data (Parsons MT et al. Hum Mutat . 2019 Sep;40(9):1557-1578). In silico splice site analysis predicts that this alteration will weaken the native splice donor site. Multiple RNA studies have shown that this alteration leads primarily to a transcript with a 51 nucleotide deletion in coding exon 22 (also called exon 23 in the literature: Ambry internal data; Acedo A et al. Breast Cancer Res. 2012;14(3):R87). The resulting transcript is expected to produce a protein with an in-frame loss of 17 amino acids. Based on internal structural analysis, this protein, V2985_T3001del, is expected to be deleterious as it is strongly untolerated and is more untolerated than remote pathogenic variants and benign variants (Ambry internal data). Furthermore, functional studies with this a peptide containing this deletion show it has impaired binding to DSS1 and single-stranded DNA (Colombo M et al. PLoS One. 2013;8(2):e57173). Of note, this alteration is also referred to as IVS22-1del3insAA and IVS22-1delGTTinsAA in published literature. In addition to the clinical data presented in the literature, alterations that disrupt the canonical splice site are expected to cause aberrant splicing, resulting in an abnormal protein or a transcript that is subject to nonsense-mediated mRNA decay. As such, this alteration is classified as pathogenic.

Baylor Genetics
Classification: Pathogenic for Familial cancer of breast. Last evaluated: 2024-01-22. Review status: criteria provided, single submitter. Criteria: ACMG Guidelines, 2015. Collection method: clinical testing. Allele origin: unknown. Not counted in ClinVar's aggregate classification.

KCCC/NGS Laboratory, Kuwait Cancer Control Center
Classification: Pathogenic for Familial cancer of breast. Last evaluated: 2023-09-13. Review status: criteria provided, single submitter. Criteria: ACMG Guidelines, 2015. Collection method: clinical testing. Allele origin: germline. Inheritance: Autosomal dominant inheritance. Affected: yes. Not counted in ClinVar's aggregate classification.
Comment: This variant, c.8954-1_8955delGTTinsAA, is a complex sequence change that affects an acceptor splice site in intron 22 of the BRCA2 gene. It is expected to disrupt RNA splicing and likely results in an absent or disrupted protein product. Loss-of-function variants in BRCA2 are known to be pathogenic. The variant was absent in 250792 control chromosomes (gnomAD).This alteration has been identified in numerous individuals from breast and ovarian cancer families (PMID: 28152038, 28476184, 22632462, 19996028, 23451180, 31341520, 31131967, 33484353, 32438681). In silico splice site analysis predicts that this alteration will weaken the native splice donor site. Experimental in vitro studies variant have shown that this complex change results in exon skipping (PMID: 23451180, 22632462). For these reasons, this variant has been classified as Pathogenic.